The following is an entry in ClinVar:

ClinVar aggregate classification (germline): Uncertain significance. Review status: criteria provided, multiple submitters, no conflicts (2 of 4 stars). 3 submissions from 3 submitters: Uncertain significance (3). Last evaluated 2026-07-09.

Conditions:
Tuberous sclerosis 1 (TSC1). Identifiers: Orphanet 805, MedGen C1854465, MONDO:0008612, OMIM 191100.
Hereditary cancer-predisposing syndrome. Also called: Tumor predisposition; Hereditary Cancer Syndrome; Hereditary neoplastic syndrome; Neoplastic Syndromes, Hereditary. Identifiers: Orphanet 140162, MedGen C0027672, MeSH D009386, MONDO:0015356.
Tuberous sclerosis syndrome (TSC). Also called: Tuberous Sclerosis Complex; Tuberous sclerosis. Identifiers: Orphanet 805, MedGen C0041341, MONDO:0001734.

Allele frequency attached by ClinVar (database versions not stated): ExAC 0.00001.
gnomAD v4.1: 2 of 1,614,186 alleles (0.00012%); highest among the groups gnomAD compares: South Asian, 0.0011%; no homozygotes.

Submissions (3):

Ambry Genetics
Classification: Uncertain significance for Hereditary cancer-predisposing syndrome. Last evaluated: 2026-07-09. Review status: criteria provided, single submitter. Criteria: Ambry Variant Classification Scheme 2023. Collection method: clinical testing. Allele origin: germline.
Comment: The p.D872N variant (also known as c.2614G>A), located in coding exon 18 of the TSC1 gene, results from a G to A substitution at nucleotide position 2614. The aspartic acid at codon 872 is replaced by asparagine, an amino acid with highly similar properties. This amino acid position is well conserved in available vertebrate species. In addition, this alteration is predicted to be tolerated by in silico analysis. Based on the available evidence, the clinical significance of this variant remains unclear.

All of Us Research Program, National Institutes of Health
Classification: Uncertain significance for Tuberous sclerosis syndrome. Last evaluated: 2023-05-31. Review status: criteria provided, single submitter. Criteria: ACMG Guidelines, 2015. Collection method: clinical testing. Allele origin: germline. Inheritance: Autosomal dominant inheritance. Observed: 1 variant allele, 1 heterozygote.
Comment: This study involves interpretation of variants in research participants for the purpose of population health screening. Participant phenotype was not available at the time of variant classification. Additional details can be found in publication PMID: 35346344, PMCID: PMC8962531

Labcorp Genetics (formerly Invitae), Labcorp
Classification: Uncertain significance for Tuberous sclerosis 1. Last evaluated: 2020-08-21. Review status: criteria provided, single submitter. Criteria: Invitae Variant Classification Sherloc (09022015). Collection method: clinical testing. Allele origin: germline.
Comment: Algorithms developed to predict the effect of missense changes on protein structure and function (SIFT, PolyPhen-2, Align-GVGD) all suggest that this variant is likely to be tolerated, but these predictions have not been confirmed by published functional studies and their clinical significance is uncertain. In summary, the available evidence is currently insufficient to determine the role of this variant in disease. Therefore, it has been classified as a Variant of Uncertain Significance. This variant has not been reported in the literature in individuals with TSC1-related conditions. This variant is present in population databases (rs746607455, ExAC 0.006%). This sequence change replaces aspartic acid with asparagine at codon 872 of the TSC1 protein (p.Asp872Asn). The aspartic acid residue is moderately conserved and there is a small physicochemical difference between aspartic acid and asparagine.

NM_000368.5(TSC1):c.2614G>A (p.Asp872Asn)

Gene: TSC1 (TSC complex subunit 1; minus strand). Cytogenetic location: 9q34.13.
Variant type: single nucleotide variant.
Coding change: c.2614G>A on transcript NM_000368.5 (MANE Select); coding-DNA position 2614, G replaced by A.
Protein change: p.Asp872Asn; replaces aspartic acid 872 with asparagine.
Molecular consequence: missense variant.
Genome position (GRCh38, 1-based): chr9:132,900,726, C>T on the plus strand (G>A on the coding strand, the complement: TSC1 is on the minus strand). VCF-style: chr9-132900726-C-T. GRCh37 (hg19) VCF-style: chr9-135776113-C-T.
Other names: c.2611G>A, p.Asp871Asn (NM_001162426.2); c.2461G>A, p.Asp821Asn (NM_001162427.2); c.2251G>A, p.Asp751Asn (NM_001362177.2); short protein forms D871N, D872N, D751N, D821N.
Identifiers: ClinVar variation 1039133 (VCV001039133.14), dbSNP rs746607455, ClinGen allele CA033508.